The following is an entry in ClinVar:

NM_015910.7(WDPCP):c.2179G>A (p.Gly727Ser)

Gene: WDPCP (WD repeat containing planar cell polarity effector; minus strand). Cytogenetic location: 2p15.
Variant type: single nucleotide variant.
Coding change: c.2179G>A on transcript NM_015910.7 (MANE Select); coding-DNA position 2179, G replaced by A.
Protein change: p.Gly727Ser; replaces glycine 727 with serine.
Molecular consequence: missense variant. On other transcripts: non-coding transcript variant (3).
Genome position (GRCh38, 1-based): chr2:63,152,925, C>T on the plus strand (G>A on the coding strand, the complement: WDPCP is on the minus strand). VCF-style: chr2-63152925-C-T. GRCh37 (hg19) VCF-style: chr2-63380060-C-T.
Other names: c.1702G>A, p.Gly568Ser (NM_001042692.3); c.2107G>A, p.Gly703Ser (NM_001354044.2); short protein forms G727S, G568S, G703S.
Identifiers: ClinVar variation 336757 (VCV000336757.17), dbSNP rs369786224, ClinGen allele CA1681965.

ClinVar aggregate classification (germline): Uncertain significance. Review status: criteria provided, multiple submitters, no conflicts (2 of 4 stars). 6 submissions from 6 submitters: Uncertain significance (5). 1 of the submissions does not count toward it. Last evaluated 2026-06-02.

Conditions:
Bardet-Biedl syndrome 15 (BBS15). Identifiers: Orphanet 110, MedGen C3150127, MONDO:0014443, OMIM 615992.
Heart defect - tongue hamartoma - polysyndactyly syndrome. Also called: Congenital heart defects, hamartomas of tongue, and polysyndactyly. Identifiers: Orphanet 1338, MedGen C1857587, MONDO:0009008, OMIM 217085.
Inborn genetic diseases. Identifiers: MedGen C0950123, MeSH D030342.
Bardet-Biedl syndrome (BBS). Identifiers: Orphanet 110, MedGen C0752166, MONDO:0015229.
WDPCP-related disorder. Also called: WDPCP-related condition.

Allele frequency attached by ClinVar (database versions not stated): ExAC 0.00009; gnomAD exomes 0.00009 and 0.00010; gnomAD 0.00010 and 0.00013; TOPMed 0.00012; 1000 Genomes Project 30x 0.00031; 1000 Genomes Project 0.00040.
gnomAD v4.1: 174 of 1,612,042 alleles (0.011%); highest among the groups gnomAD compares: Middle Eastern, 0.17%; no homozygotes.

Submissions (6):

GeneDx
Classification: Uncertain significance. Last evaluated: 2026-06-02. Review status: criteria provided, single submitter. Criteria: GeneDx Variant Classification Process June 2021. Collection method: clinical testing. Allele origin: germline.
Comment: In silico analysis suggests that this missense variant does not alter protein structure/function; Has not been previously published as pathogenic or benign to our knowledge

Labcorp Genetics (formerly Invitae), Labcorp
Classification: Uncertain significance for Bardet-Biedl syndrome. Last evaluated: 2025-01-16. Review status: criteria provided, single submitter. Criteria: Invitae Variant Classification Sherloc (09022015). Collection method: clinical testing. Allele origin: germline.
Comment: This sequence change replaces glycine, which is neutral and non-polar, with serine, which is neutral and polar, at codon 727 of the WDPCP protein (p.Gly727Ser). This variant is present in population databases (rs369786224, gnomAD 0.02%). This variant has not been reported in the literature in individuals affected with WDPCP-related conditions. ClinVar contains an entry for this variant (Variation ID: 336757). An algorithm developed to predict the effect of missense changes on protein structure and function (PolyPhen-2) suggests that this variant¬†is likely to be tolerated. In summary, the available evidence is currently insufficient to determine the role of this variant in disease. Therefore, it has been classified as a Variant of Uncertain Significance.

Fulgent Genetics
Classification: Uncertain significance for Heart defect - tongue hamartoma - polysyndactyly syndrome; Bardet-Biedl syndrome 15. Last evaluated: 2024-04-19. Review status: criteria provided, single submitter. Criteria: ACMG Guidelines, 2015. Collection method: clinical testing. Allele origin: germline.

Ambry Genetics
Classification: Uncertain significance for Inborn genetic diseases. Last evaluated: 2023-07-25. Review status: criteria provided, single submitter. Criteria: Ambry Variant Classification Scheme 2023. Collection method: clinical testing. Allele origin: germline.

Illumina Laboratory Services, Illumina
Classification: Uncertain significance for Bardet-Biedl syndrome 15. Last evaluated: 2018-01-13. Review status: criteria provided, single submitter. Criteria: ICSL Variant Classification Criteria 13 December 2019. Collection method: clinical testing. Allele origin: germline.

PreventionGenetics, part of Exact Sciences
Classification: Uncertain significance for WDPCP-related condition. Last evaluated: 2024-04-16. Review status: no assertion criteria provided. Collection method: clinical testing. Allele origin: germline. Not counted in ClinVar's aggregate classification.
Comment: The WDPCP c.2179G>A variant is predicted to result in the amino acid substitution p.Gly727Ser. To our knowledge, this variant has not been reported in the literature. This variant is reported in 0.020% of alleles in individuals of South Asian descent in gnomAD. At this time, the clinical significance of this variant is uncertain due to the absence of conclusive functional and genetic evidence.